The following is an entry in ClinVar:

NM_014049.5(ACAD9):c.1462G>T (p.Gly488Ter)

Gene: ACAD9 (acyl-CoA dehydrogenase family member 9; plus strand). Cytogenetic location: 3q21.3.
Variant type: single nucleotide variant.
Coding change: c.1462G>T on transcript NM_014049.5 (MANE Select); coding-DNA position 1462, G replaced by T.
Protein change: p.Gly488Ter; replaces glycine 488 with a stop codon.
Molecular consequence: nonsense. On other transcripts: non-coding transcript variant (1).
Genome position (GRCh38, 1-based): chr3:128,909,076, G>T. VCF-style: chr3-128909076-G-T. GRCh37 (hg19) VCF-style: chr3-128627919-G-T.
Other names: short protein forms G488*.
Identifiers: ClinVar variation 1070934 (VCV001070934.9), dbSNP rs781043714, ClinGen allele CA354438422.

ClinVar aggregate classification (germline): Pathogenic/Likely pathogenic. Review status: criteria provided, multiple submitters, no conflicts (2 of 4 stars). 2 submissions from 2 submitters: Pathogenic (1); Likely pathogenic (1). Last evaluated 2023-12-17.

Conditions:
Acyl-CoA dehydrogenase 9 deficiency. Also called: Acyl-CoA dehydrogenase family, member 9, deficiency of; MITOCHONDRIAL COMPLEX I DEFICIENCY, NUCLEAR TYPE 20. Identifiers: Orphanet 99901, MedGen C4747517, MONDO:0012624, OMIM 611126.

Submissions (2):

Baylor Genetics
Classification: Likely pathogenic for Acyl-CoA dehydrogenase 9 deficiency. Last evaluated: 2023-12-17. Review status: criteria provided, single submitter. Criteria: ACMG Guidelines, 2015. Collection method: clinical testing. Allele origin: unknown.

Labcorp Genetics (formerly Invitae), Labcorp
Classification: Pathogenic. Last evaluated: 2022-05-13. Review status: criteria provided, single submitter. Criteria: Invitae Variant Classification Sherloc (09022015). Collection method: clinical testing. Allele origin: germline.
Comment: This variant has not been reported in the literature in individuals affected with ACAD9-related conditions. This variant is not present in population databases (gnomAD no frequency). This sequence change creates a premature translational stop signal (p.Gly488*) in the ACAD9 gene. It is expected to result in an absent or disrupted protein product. Loss-of-function variants in ACAD9 are known to be pathogenic (PMID: 25721401). ClinVar contains an entry for this variant (Variation ID: 1070934). For these reasons, this variant has been classified as Pathogenic.

Literature cited by the submitters: PubMed 25721401 (cited by Labcorp Genetics (formerly Invitae), Labcorp).